The following is an entry in ClinVar:

NM_170707.4(LMNA):c.1342G>A (p.Glu448Lys)

Gene: LMNA (lamin A/C; plus strand). Cytogenetic location: 1q22.
Variant type: single nucleotide variant.
Coding change: c.1342G>A on transcript NM_170707.4 (MANE Select); coding-DNA position 1342, G replaced by A.
Protein change: p.Glu448Lys; replaces glutamic acid 448 with lysine.
Molecular consequence: missense variant.
Genome position (GRCh38, 1-based): chr1:156,136,398, G>A. VCF-style: chr1-156136398-G-A. GRCh37 (hg19) VCF-style: chr1-156106189-G-A.
Other names: c.1006G>A, p.Glu336Lys (NM_001257374.3); c.1099G>A, p.Glu367Lys (NM_001282624.2); c.1342G>A, p.Glu448Lys (NM_001282625.2, NM_001282626.2, NM_005572.4 and 1 more transcripts); short protein forms E336K, E367K, E448K.
Identifiers: ClinVar variation 1302620 (VCV001302620.2), dbSNP rs2102891243, ClinGen allele CA342822104.
Genomic context (GRCh38, chr1:156,136,398, plus strand): 5'-AGCAGCTTCTCACAGCACGCACGCACTAGCGGGCGCGTGGCCGTGGAGGAGGTGGATGAG[G>A]AGGGCAAGTTTGTCCGGCTGCGCAACAAGTCCAATGAGGTAGGCTCCTGCTCAGGGTCTA-3'
Protein context (NP_733821.1, residues 438-458): GRVAVEEVDE[Glu448Lys]GKFVRLRNKS

ClinVar aggregate classification (germline): Uncertain significance (1 of 4 stars; one submission).

Submission:

GeneDx
Classification: Uncertain significance. Last evaluated: 2019-06-03. Review status: criteria provided, single submitter. Criteria: GeneDx Variant Classification Process June 2021. Collection method: clinical testing. Allele origin: germline. Affected: yes.
Comment: Not observed in large population cohorts (Lek et al., 2016); In silico analysis, which includes protein predictors and evolutionary conservation, supports a deleterious effect; Has not been previously published as pathogenic or benign to our knowledge